The following is an entry in ClinVar:

NM_024496.4(IRF2BPL):c.280_308del (p.Ala94fs)

Genes: IRF2BPL (interferon regulatory factor 2 binding protein like; minus strand), LOC107984638 (uncharacterized LOC107984638; plus strand). Cytogenetic location: 14q24.3.
Variant type: Deletion.
Coding change: c.280_308del on transcript NM_024496.4 (MANE Select); coding-DNA positions 280 to 308, 29 bases deleted (GCAGCGGCGGCCGCCGCCGCCGCCGCGCA).
Protein change: p.Ala94fs; shifts the reading frame from alanine 94.
Molecular consequence: frameshift variant. On other transcripts: non-coding transcript variant (3).
Genome position (GRCh38, 1-based): chr14:77,027,485-77,027,513, TGCGCGGCGGCGGCGGCGGCCGCCGCTGC deleted on the plus strand (GCAGCGGCGGCCGCCGCCGCCGCCGCGCA on the coding strand, the reverse complement: IRF2BPL is on the minus strand); deleting any 29 consecutive bases within chr14:77,027,485-77,027,516 gives the same sequence; the c. name uses the placement nearest the transcript's 3' end. VCF-style (leftmost placement, unchanged base first): chr14-77027484-TTGCGCGGCGGCGGCGGCGGCCGCCGCTGC-T. GRCh37 (hg19) VCF-style: chr14-77493827-TTGCGCGGCGGCGGCGGCGGCCGCCGCTGC-T.
Other names: short protein forms A94fs.
Identifiers: ClinVar variation 3359041 (VCV003359041.2).
Genomic context (GRCh38, chr14:77,027,484, plus strand): 5'-CTGCTGCTGCTGCTGCTGCTGCTGCTGTTGCTGCTGCTGCTGCTGCTGTTGCTGTTGCTG[TTGCGCGGCGGCGGCGGCGGCCGCCGCTGC>T]TGCCGCCGCCGCCGCCGCTTCCTTAGCCGACAGGGCCACTGTCTTGACCCCGACGGGCGG-3'

ClinVar aggregate classification (germline): Pathogenic (1 of 4 stars; one submission).

Conditions:
Neurodevelopmental disorder with regression, abnormal movements, loss of speech, and seizures. Identifiers: Orphanet 597623, MedGen C4748127, MONDO:0060759, OMIM 618088.

Submission:

Institute of Human Genetics, University of Leipzig Medical Center
Classification: Pathogenic for Neurodevelopmental disorder with regression, abnormal movements, loss of speech, and seizures. Last evaluated: 2024-07-05. Review status: criteria provided, single submitter. Criteria: ACMG Guidelines, 2015. Collection method: clinical testing. Allele origin: unknown. Inheritance: Autosomal dominant inheritance. Affected: yes.
Comment: Criteria applied: PVS1,PM2